The following is an entry in ClinVar:

ClinVar aggregate classification (germline): Uncertain significance (1 of 4 stars; one submission).

Conditions:
Inborn genetic diseases. Identifiers: MedGen C0950123, MeSH D030342.

Submission:

Ambry Genetics
Classification: Uncertain significance for Inborn genetic diseases. Last evaluated: 2024-12-12. Review status: criteria provided, single submitter. Criteria: Ambry Variant Classification Scheme 2023. Collection method: clinical testing. Allele origin: germline.
Comment: The p.S832T variant (also known as c.2494T>A), located in coding exon 14 of the FANCM gene, results from a T to A substitution at nucleotide position 2494. The serine at codon 832 is replaced by threonine, an amino acid with similar properties. This amino acid position is conserved. In addition, this alteration is predicted to be tolerated by in silico analysis. Based on the available evidence, the clinical significance of this variant remains unclear.

NM_020937.4(FANCM):c.2494T>A (p.Ser832Thr)

Gene: FANCM (FA complementation group M; plus strand). Cytogenetic location: 14q21.2.
Variant type: single nucleotide variant.
Coding change: c.2494T>A on transcript NM_020937.4 (MANE Select); coding-DNA position 2494, T replaced by A.
Protein change: p.Ser832Thr; replaces serine 832 with threonine.
Molecular consequence: missense variant.
Genome position (GRCh38, 1-based): chr14:45,175,248, T>A. VCF-style: chr14-45175248-T-A. GRCh37 (hg19) VCF-style: chr14-45644451-T-A.
Other names: c.2416T>A, p.Ser806Thr (NM_001308133.2); short protein forms S806T, S832T.
Identifiers: ClinVar variation 3848484 (VCV003848484.1).
Genomic context (GRCh38, chr14:45,175,248, plus strand): 5'-CACAAGAAATCGTCATTTATAAAGAACATAAATCAAGGCAGTTCATCCTCAGTGATAGAA[T>A]CTGATGAAGAATGTGCTGAAATTGTTAAACAAACTCATATCAAACCTACTAAAATTGTTT-3'
Protein context (NP_065988.1, residues 822-842): NQGSSSSVIE[Ser832Thr]DEECAEIVKQ